The following is an entry in ClinVar:

ClinVar aggregate classification (germline): Uncertain significance (1 of 4 stars; one submission).

Conditions:
Hereditary cancer-predisposing syndrome. Also called: Tumor predisposition; Neoplastic Syndromes, Hereditary; Hereditary Cancer Syndrome; Hereditary neoplastic syndrome. Identifiers: Orphanet 140162, MedGen C0027672, MeSH D009386, MONDO:0015356.

Submission:

Ambry Genetics
Classification: Uncertain significance for Hereditary cancer-predisposing syndrome. Last evaluated: 2025-02-18. Review status: criteria provided, single submitter. Criteria: Ambry Variant Classification Scheme 2023. Collection method: clinical testing. Allele origin: germline.
Comment: The p.H144Y variant (also known as c.430C>T), located in coding exon 1 of the MET gene, results from a C to T substitution at nucleotide position 430. The histidine at codon 144 is replaced by tyrosine, an amino acid with similar properties. This amino acid position is well conserved in available vertebrate species. In addition, the in silico prediction for this alteration is inconclusive. Based on the available evidence, the clinical significance of this variant remains unclear.

NM_000245.4(MET):c.430C>T (p.His144Tyr)

Gene: MET (MET proto-oncogene, receptor tyrosine kinase; plus strand). Cytogenetic location: 7q31.2.
Variant type: single nucleotide variant.
Coding change: c.430C>T on transcript NM_000245.4 (MANE Select); coding-DNA position 430, C replaced by T.
Protein change: p.His144Tyr; replaces histidine 144 with tyrosine.
Molecular consequence: missense variant. On other transcripts: intron variant (1).
Genome position (GRCh38, 1-based): chr7:116,699,514, C>T. VCF-style: chr7-116699514-C-T. GRCh37 (hg19) VCF-style: chr7-116339568-C-T.
Other names: c.430C>T, p.His144Tyr (NM_001127500.3, NM_001324401.3); c.-91+26937C>T (NM_001324402.2); short protein forms H144Y.
Identifiers: ClinVar variation 3872388 (VCV003872388.1).